The following is an entry in ClinVar:

ClinVar aggregate classification (germline): Uncertain significance. Review status: criteria provided, multiple submitters, no conflicts (2 of 4 stars). 2 submissions from 2 submitters: Uncertain significance (2). Last evaluated 2025-03-26.

Conditions:
Charcot-Marie-Tooth disease type 4. Also called: Charcot-Marie-Tooth, Type 4; Charcot-Marie-Tooth disease, type IV. Identifiers: Orphanet 64749, MedGen C4082197, MONDO:0018995.
Inborn genetic diseases. Identifiers: MedGen C0950123, MeSH D030342.

Allele frequency attached by ClinVar (database versions not stated): gnomAD exomes 0.00001; TOPMed 0.00001; ExAC 0.00001.
gnomAD v4.1: 19 of 1,613,304 alleles (0.0012%); highest among the groups gnomAD compares: Non-Finnish European, 0.0014%; no homozygotes.

Submissions (2):

Ambry Genetics
Classification: Uncertain significance for Inborn genetic diseases. Last evaluated: 2025-03-26. Review status: criteria provided, single submitter. Criteria: Ambry Variant Classification Scheme 2023. Collection method: clinical testing. Allele origin: germline.

Labcorp Genetics (formerly Invitae), Labcorp
Classification: Uncertain significance for Charcot-Marie-Tooth disease type 4. Last evaluated: 2020-06-12. Review status: criteria provided, single submitter. Criteria: Invitae Variant Classification Sherloc (09022015). Collection method: clinical testing. Allele origin: germline.
Comment: This variant is present in population databases (rs779355592, ExAC 0.002%). This sequence change replaces threonine with alanine at codon 618 of the SBF2 protein (p.Thr618Ala). The threonine residue is moderately conserved and there is a small physicochemical difference between threonine and alanine. In summary, the available evidence is currently insufficient to determine the role of this variant in disease. Therefore, it has been classified as a Variant of Uncertain Significance. Algorithms developed to predict the effect of missense changes on protein structure and function (SIFT, PolyPhen-2, Align-GVGD) all suggest that this variant is likely to be tolerated, but these predictions have not been confirmed by published functional studies and their clinical significance is uncertain. This variant has not been reported in the literature in individuals with SBF2-related conditions.

NM_030962.4(SBF2):c.1852A>G (p.Thr618Ala)

Gene: SBF2 (SET binding factor 2; minus strand). Cytogenetic location: 11p15.4.
Variant type: single nucleotide variant.
Coding change: c.1852A>G on transcript NM_030962.4 (MANE Select); coding-DNA position 1852, A replaced by G.
Protein change: p.Thr618Ala; replaces threonine 618 with alanine.
Molecular consequence: missense variant.
Genome position (GRCh38, 1-based): chr11:9,961,965, T>C on the plus strand (A>G on the coding strand, the complement: SBF2 is on the minus strand). VCF-style: chr11-9961965-T-C. GRCh37 (hg19) VCF-style: chr11-9983512-T-C.
Other names: c.1852A>G, p.Thr618Ala (NM_001386339.1); c.1723A>G, p.Thr575Ala (NM_001386342.1); short protein forms T618A, T575A.
Identifiers: ClinVar variation 834456 (VCV000834456.9), dbSNP rs779355592, ClinGen allele CA5881734.
Genomic context (GRCh38, chr11:9,961,965, plus strand): 5'-AATGAAAAGTATTCTCAAATAAGAGGAATAATCTGAAAGAACTACAAATTACCTGTAGAG[T>C]ACAATTCATCATCCTTATTATGTAGTCAAACTGTTGATGGTCTAATATTGCCCGGTTTTG-3'
Protein context (NP_112224.1, residues 608-628): FDYIIRMMNC[Thr618Ala]LQDCSSLEEY